The following is an entry in ClinVar:

ClinVar aggregate classification (germline): Uncertain significance (1 of 4 stars; one submission).

Conditions:
Hereditary cancer-predisposing syndrome. Also called: Hereditary Cancer Syndrome; Hereditary neoplastic syndrome; Neoplastic Syndromes, Hereditary; Tumor predisposition. Identifiers: Orphanet 140162, MedGen C0027672, MeSH D009386, MONDO:0015356.

gnomAD v4.1: 2 of 1,613,990 alleles (0.00012%); highest among the groups gnomAD compares: Non-Finnish European, 0.00017%; no homozygotes.

Submission:

Ambry Genetics
Classification: Uncertain significance for Hereditary cancer-predisposing syndrome. Last evaluated: 2022-10-22. Review status: criteria provided, single submitter. Criteria: Ambry Variant Classification Scheme 2023. Collection method: clinical testing. Allele origin: germline.
Comment: The p.P198L variant (also known as c.593C>T), located in coding exon 6 of the FANCC gene, results from a C to T substitution at nucleotide position 593. The proline at codon 198 is replaced by leucine, an amino acid with similar properties. This amino acid position is conserved. In addition, this alteration is predicted to be deleterious by in silico analysis. Since supporting evidence is limited at this time, the clinical significance of this alteration remains unclear.

NM_000136.3(FANCC):c.593C>T (p.Pro198Leu)

Genes: FANCC (FA complementation group C; minus strand), AOPEP (aminopeptidase O (putative); plus strand). Cytogenetic location: 9q22.32.
Variant type: single nucleotide variant.
Coding change: c.593C>T on transcript NM_000136.3 (MANE Select); coding-DNA position 593, C replaced by T.
Protein change: p.Pro198Leu; replaces proline 198 with leucine.
Molecular consequence: missense variant.
Genome position (GRCh38, 1-based): chr9:95,150,016, G>A on the plus strand (C>T on the coding strand, the complement: FANCC is on the minus strand). VCF-style: chr9-95150016-G-A. GRCh37 (hg19) VCF-style: chr9-97912298-G-A.
Other names: c.593C>T, p.Pro198Leu (NM_001243743.2, NM_001243744.2); short protein forms P198L.
Identifiers: ClinVar variation 1750613 (VCV001750613.2), dbSNP rs534655551, ClinGen allele CA374109702.
Genomic context (GRCh38, chr9:95,150,016, plus strand): 5'-TCTGGCTGGAGGATTTCCTGAGGTTCACGTCCATGACAGATGAGGAGAGCCTCCACCAGG[G>A]GGTCAACATCTGTCAGGGTAATAAGTGGGACACAAACTCGTGACAGGGACGCCACTCGCT-3'
Protein context (NP_000127.2, residues 188-208): VPLITLTDVD[Pro198Leu]LVEALLICHG